The following is an entry in ClinVar:

NM_020937.4(FANCM):c.1270C>T (p.Arg424Cys)

Gene: FANCM (FA complementation group M; plus strand). Cytogenetic location: 14q21.2.
Variant type: single nucleotide variant.
Coding change: c.1270C>T on transcript NM_020937.4 (MANE Select); coding-DNA position 1270, C replaced by T.
Protein change: p.Arg424Cys; replaces arginine 424 with cysteine.
Molecular consequence: missense variant.
Genome position (GRCh38, 1-based): chr14:45,154,783, C>T. VCF-style: chr14-45154783-C-T. GRCh37 (hg19) VCF-style: chr14-45623986-C-T.
Other names: c.1192C>T, p.Arg398Cys (NM_001308133.2); c.1270C>T, p.Arg424Cys (NM_001308134.2); short protein forms R398C, R424C.
Identifiers: ClinVar variation 967749 (VCV000967749.9), dbSNP rs537833024, ClinGen allele CA7168981.
Genomic context (GRCh38, chr14:45,154,783, plus strand): 5'-GGCCGAAATGAAGACTTCATGAAACTCTATAATCATCTAGAGTGTATGTTTGCACGTACA[C>T]GTAGTACTTCAGCAAATGGTATTTCTGCTATCCAACAAGGTCTGGTTTTTCTTTTAAAAT-3'
Protein context (NP_065988.1, residues 414-434): NHLECMFART[Arg424Cys]STSANGISAI

ClinVar aggregate classification (germline): Uncertain significance. Review status: criteria provided, multiple submitters, no conflicts (2 of 4 stars). 3 submissions from 3 submitters: Uncertain significance (3). Last evaluated 2023-11-13.

Conditions:
Fanconi anemia (FA). Also called: Fanconi's anemia. Identifiers: Orphanet 84, MedGen C0015625, MeSH D005199, MONDO:0019391.

Allele frequency attached by ClinVar (database versions not stated): ExAC 0.00001; gnomAD 0.00003 and 0.00002; gnomAD exomes 0.00004 and 0.00003; 1000 Genomes Project 30x 0.00031; 1000 Genomes Project 0.00040.
gnomAD v4.1: 67 of 1,606,924 alleles (0.0042%); highest among the groups gnomAD compares: Middle Eastern, 0.017%; 1 homozygote.

Submissions (3):

Labcorp Genetics (formerly Invitae), Labcorp
Classification: Uncertain significance for Fanconi anemia. Last evaluated: 2023-11-13. Review status: criteria provided, single submitter. Criteria: Invitae Variant Classification Sherloc (09022015). Collection method: clinical testing. Allele origin: germline.
Comment: This sequence change replaces arginine, which is basic and polar, with cysteine, which is neutral and slightly polar, at codon 424 of the FANCM protein (p.Arg424Cys). This variant is present in population databases (rs537833024, gnomAD 0.01%). This variant has not been reported in the literature in individuals affected with FANCM-related conditions. ClinVar contains an entry for this variant (Variation ID: 967749). Algorithms developed to predict the effect of missense changes on protein structure and function output the following: SIFT: "Not Available"; PolyPhen-2: "Benign"; Align-GVGD: "Not Available". The cysteine amino acid residue is found in multiple mammalian species, which suggests that this missense change does not adversely affect protein function. In summary, the available evidence is currently insufficient to determine the role of this variant in disease. Therefore, it has been classified as a Variant of Uncertain Significance.

GeneDx
Classification: Uncertain significance. Last evaluated: 2023-06-23. Review status: criteria provided, single submitter. Criteria: GeneDx Variant Classification Process June 2021. Collection method: clinical testing. Allele origin: germline.
Comment: Not observed at significant frequency in large population cohorts (gnomAD); In silico analysis supports that this missense variant does not alter protein structure/function; Observed in individuals with breast cancer as well as unaffected controls (Dorling et al., 2021); This variant is associated with the following publications: (PMID: 33471991)

Quest Diagnostics Nichols Institute San Juan Capistrano
Classification: Uncertain significance. Last evaluated: 2021-08-26. Review status: criteria provided, single submitter. Criteria: Quest Diagnostics criteria. Collection method: clinical testing. Allele origin: unknown.

Literature cited by the submitters: PubMed 33471991 (cited by Quest Diagnostics Nichols Institute San Juan Capistrano).